The following is an entry in ClinVar:

NM_001005361.3(DNM2):c.2593G>C (p.Glu865Gln)

Gene: DNM2 (dynamin 2; plus strand). Cytogenetic location: 19p13.2.
Variant type: single nucleotide variant.
Coding change: c.2593G>C on transcript NM_001005361.3 (MANE Select); coding-DNA position 2593, G replaced by C.
Protein change: p.Glu865Gln; replaces glutamic acid 865 with glutamine.
Molecular consequence: missense variant.
Genome position (GRCh38, 1-based): chr19:10,831,027, G>C. VCF-style: chr19-10831027-G-C. GRCh37 (hg19) VCF-style: chr19-10941703-G-C.
Other names: c.2593G>C, p.Glu865Gln (NM_001005360.3); c.2581G>C, p.Glu861Gln (NM_001005362.3, NM_004945.4); c.2590G>C, p.Glu864Gln (NM_001190716.2); short protein forms E861Q, E864Q, E865Q.
Identifiers: ClinVar variation 1002175 (VCV001002175.8), dbSNP rs746818628, ClinGen allele CA9201671.

ClinVar aggregate classification (germline): Uncertain significance (1 of 4 stars; one submission).

Conditions:
Charcot-Marie-Tooth disease dominant intermediate B (CMTDIB). Also called: Charcot-Marie-Tooth disease dominant intermediate 1; CMT DI1; Charcot-Marie-Tooth disease dominant intermediate I; CHARCOT-MARIE-TOOTH NEUROPATHY, DOMINANT INTERMEDIATE B. Identifiers: Orphanet 100044, Orphanet 228179, MedGen C1847902, MONDO:0011674, OMIM 606482.

Allele frequency attached by ClinVar (database versions not stated): ExAC 0.00001.
gnomAD v4.1: 2 of 1,610,586 alleles (0.00012%); highest among the groups gnomAD compares: East Asian, 0.0045%; no homozygotes.

Submission:

Labcorp Genetics (formerly Invitae), Labcorp
Classification: Uncertain significance for Charcot-Marie-Tooth disease dominant intermediate B. Last evaluated: 2020-09-16. Review status: criteria provided, single submitter. Criteria: Invitae Variant Classification Sherloc (09022015). Collection method: clinical testing. Allele origin: germline.
Comment: This sequence change replaces glutamic acid with glutamine at codon 865 of the DNM2 protein (p.Glu865Gln). The glutamic acid residue is moderately conserved and there is a small physicochemical difference between glutamic acid and glutamine. In summary, the available evidence is currently insufficient to determine the role of this variant in disease. Therefore, it has been classified as a Variant of Uncertain Significance. Algorithms developed to predict the effect of missense changes on protein structure and function are either unavailable or do not agree on the potential impact of this missense change (SIFT: "Tolerated"; PolyPhen-2: "Not Available"; Align-GVGD: "Class C0"). This variant has not been reported in the literature in individuals with DNM2-related conditions. This variant is present in population databases (rs746818628, ExAC 0.01%).